The following is an entry in ClinVar:

NM_138454.2(NXNL1):c.540_564dup (p.Glu189fs)

Gene: NXNL1 (nucleoredoxin like 1; minus strand). Cytogenetic location: 19p13.11.
Variant type: Duplication.
Coding change: c.540_564dup on transcript NM_138454.2 (MANE Select); coding-DNA positions 540 to 564, 25 bases duplicated (CCTGCGCCGCCACAAGTACCGCGTG).
Protein change: p.Glu189fs; shifts the reading frame from glutamic acid 189.
Molecular consequence: frameshift variant.
Genome position (GRCh38, 1-based): chr19:17,455,722-17,455,746, CACGCGGTACTTGTGGCGGCGCAGG duplicated on the plus strand (CCTGCGCCGCCACAAGTACCGCGTG on the coding strand, the reverse complement: NXNL1 is on the minus strand); duplicating any 25 consecutive bases within chr19:17,455,722-17,455,749 gives the same sequence; the c. name uses the placement nearest the transcript's 3' end. VCF-style (leftmost placement, unchanged base first): chr19-17455721-C-CCACGCGGTACTTGTGGCGGCGCAGG. GRCh37 (hg19) VCF-style: chr19-17566530-C-CCACGCGGTACTTGTGGCGGCGCAGG.
Other names: short protein forms E189fs.
Identifiers: ClinVar variation 3049633 (VCV003049633.2), dbSNP rs771965648, ClinGen allele CA9294866.

ClinVar aggregate classification (germline): Likely benign (0 of 4 stars; one submission).

Conditions:
NXNL1-related disorder. Also called: NXNL1-related condition.

Submission:

PreventionGenetics, part of Exact Sciences
Classification: Likely benign for NXNL1-related condition. Last evaluated: 2023-04-05. Review status: no assertion criteria provided. Collection method: clinical testing. Allele origin: germline.
Comment: This variant is classified as likely benign based on ACMG/AMP sequence variant interpretation guidelines (Richards et al. 2015 PMID: 25741868, with internal and published modifications).